The following is an entry in ClinVar:

NM_001377.3(DYNC2H1):c.1589A>G (p.Tyr530Cys)

Gene: DYNC2H1 (dynein cytoplasmic 2 heavy chain 1; plus strand). Cytogenetic location: 11q22.3.
Variant type: single nucleotide variant.
Coding change: c.1589A>G on transcript NM_001377.3 (MANE Select); coding-DNA position 1589, A replaced by G.
Protein change: p.Tyr530Cys; replaces tyrosine 530 with cysteine.
Molecular consequence: missense variant.
Genome position (GRCh38, 1-based): chr11:103,122,928, A>G. VCF-style: chr11-103122928-A-G. GRCh37 (hg19) VCF-style: chr11-102993657-A-G.
Other names: c.1589A>G, p.Tyr530Cys (NM_001080463.2); short protein forms Y530C.
Identifiers: ClinVar variation 3666098 (VCV003666098.2).
Genomic context (GRCh38, chr11:103,122,928, plus strand): 5'-TGCCAGGATTTCGATGTTTCCATCAAAGTGCCAAAGATCTCTTAGACCAGCTTAAACTAT[A>G]TGAACAGGAACAATTTGATGATTGGTCCAGGGATATTCAATCAGGTTTATCTGATTCCAG-3'
Protein context (NP_001368.2, residues 520-540): AKDLLDQLKL[Tyr530Cys]EQEQFDDWSR

ClinVar aggregate classification (germline): Uncertain significance (1 of 4 stars; one submission).

Conditions:
Jeune thoracic dystrophy. Also called: Jeune syndrome; Infantile thoracic dystrophy; Thoracic pelvic phalangeal dystrophy; Jeune's syndrome; Chondroectodermal dysplasia-like syndrome; Short-rib thoracic dysplasia. Identifiers: Orphanet 474, MedGen C0265275, MONDO:0018770.

gnomAD v4.1: 3 of 1,611,336 alleles (0.00019%); highest among the groups gnomAD compares: Non-Finnish European, 0.00025%; no homozygotes.

Submission:

Labcorp Genetics (formerly Invitae), Labcorp
Classification: Uncertain significance for Jeune thoracic dystrophy. Last evaluated: 2025-01-21. Review status: criteria provided, single submitter. Criteria: Invitae Variant Classification Sherloc (09022015). Collection method: clinical testing. Allele origin: germline.
Comment: This sequence change replaces tyrosine, which is neutral and polar, with cysteine, which is neutral and slightly polar, at codon 530 of the DYNC2H1 protein (p.Tyr530Cys). This variant is not present in population databases (gnomAD no frequency). This variant has not been reported in the literature in individuals affected with DYNC2H1-related conditions. Invitae Evidence Modeling of protein sequence and biophysical properties (such as structural, functional, and spatial information, amino acid conservation, physicochemical variation, residue mobility, and thermodynamic stability) indicates that this missense variant is expected to disrupt DYNC2H1 protein function with a positive predictive value of 95%. In summary, the available evidence is currently insufficient to determine the role of this variant in disease. Therefore, it has been classified as a Variant of Uncertain Significance.